The following is an entry in ClinVar:

ClinVar aggregate classification (germline): Uncertain significance (1 of 4 stars; one submission).

Submission:

GeneDx
Classification: Uncertain significance. Last evaluated: 2023-05-16. Review status: criteria provided, single submitter. Criteria: GeneDx Variant Classification Process June 2021. Collection method: clinical testing. Allele origin: germline. Affected: yes.
Comment: Not observed at significant frequency in large population cohorts (gnomAD); In silico analysis supports that this missense variant does not alter protein structure/function; Has not been previously published as pathogenic or benign to our knowledge

NM_003128.3(SPTBN1):c.6949A>G (p.Thr2317Ala)

Genes: SPTBN1 (spectrin beta, non-erythrocytic 1; plus strand), SPTBN1-AS2 (SPTBN1 antisense RNA 2; minus strand). Cytogenetic location: 2p16.2.
Variant type: single nucleotide variant.
Coding change: c.6949A>G on transcript NM_003128.3 (MANE Select); coding-DNA position 6949, A replaced by G.
Protein change: p.Thr2317Ala; replaces threonine 2317 with alanine.
Molecular consequence: missense variant.
Genome position (GRCh38, 1-based): chr2:54,668,423, A>G. VCF-style: chr2-54668423-A-G. GRCh37 (hg19) VCF-style: chr2-54895560-A-G.
Other names: short protein forms T2317A.
Identifiers: ClinVar variation 2662594 (VCV002662594.1), dbSNP rs1572792763, ClinGen allele CA346863412.